The following is an entry in ClinVar:

NM_002485.5(NBN):c.1871G>T (p.Arg624Leu)

Genes: NBN (nibrin; minus strand), LOC126860438 (MED14-independent group 3 enhancer GRCh37_chr8:90959982-90961181; plus strand). Cytogenetic location: 8q21.3.
Variant type: single nucleotide variant.
Coding change: c.1871G>T on transcript NM_002485.5 (MANE Select); coding-DNA position 1871, G replaced by T.
Protein change: p.Arg624Leu; replaces arginine 624 with leucine.
Molecular consequence: missense variant.
Genome position (GRCh38, 1-based): chr8:89,947,867, C>A on the plus strand (G>T on the coding strand, the complement: NBN is on the minus strand). VCF-style: chr8-89947867-C-A. GRCh37 (hg19) VCF-style: chr8-90960095-C-A.
Other names: c.1625G>T, p.Arg542Leu (NM_001024688.3); short protein forms R624L, R542L.
Identifiers: ClinVar variation 480051 (VCV000480051.17), dbSNP rs587782297, ClinGen allele CA371677268.

ClinVar aggregate classification (germline): Uncertain significance. Review status: criteria provided, multiple submitters, no conflicts (2 of 4 stars). 3 submissions from 3 submitters: Uncertain significance (3). Last evaluated 2021-11-07.

Conditions:
Hereditary cancer-predisposing syndrome. Also called: Hereditary neoplastic syndrome; Neoplastic Syndromes, Hereditary; Tumor predisposition; Hereditary Cancer Syndrome. Identifiers: Orphanet 140162, MedGen C0027672, MeSH D009386, MONDO:0015356.
Microcephaly, normal intelligence and immunodeficiency (NBS). Also called: IMMUNODEFICIENCY, MICROCEPHALY, AND CHROMOSOMAL INSTABILITY; SEEMANOVA SYNDROME II; Nijmegen breakage syndrome; Microcephaly with normal intelligence immunodeficiency and lymphoreticular malignancies; Nonsyndromal microcephaly autosomal recessive with normal intelligence; Seemanova syndrome 2. Identifiers: Orphanet 647, MedGen C0398791, MONDO:0009623, OMIM 251260.

gnomAD v4.1: 1 of 1,575,790 alleles (0.000063%); no homozygotes.

Submissions (3):

Genome-Nilou Lab
Classification: Uncertain significance for Microcephaly, normal intelligence and immunodeficiency. Last evaluated: 2021-11-07. Review status: criteria provided, single submitter. Criteria: ACMG Guidelines, 2015. Collection method: clinical testing. Allele origin: germline. Affected: no.

Labcorp Genetics (formerly Invitae), Labcorp
Classification: Uncertain significance for Microcephaly, normal intelligence and immunodeficiency. Last evaluated: 2019-01-04. Review status: criteria provided, single submitter. Criteria: Invitae Variant Classification Sherloc (09022015). Collection method: clinical testing. Allele origin: germline.
Comment: Algorithms developed to predict the effect of missense changes on protein structure and function (SIFT, PolyPhen-2, Align-GVGD) all suggest that this variant is likely to be tolerated, but these predictions have not been confirmed by published functional studies and their clinical significance is uncertain. In summary, the available evidence is currently insufficient to determine the role of this variant in disease. Therefore, it has been classified as a Variant of Uncertain Significance. This variant has not been reported in the literature in individuals with NBN-related conditions. ClinVar contains an entry for this variant (Variation ID: 480051). This variant is not present in population databases (ExAC no frequency). This sequence change replaces arginine with leucine at codon 624 of the NBN protein (p.Arg624Leu). The arginine residue is weakly conserved and there is a moderate physicochemical difference between arginine and leucine.

Ambry Genetics
Classification: Uncertain significance for Hereditary cancer-predisposing syndrome. Last evaluated: 2016-09-19. Review status: criteria provided, single submitter. Criteria: Ambry Variant Classification Scheme 2023. Collection method: clinical testing. Allele origin: germline.
Comment: The p.R624L variant (also known as c.1871G>T), located in coding exon 12 of the NBN gene, results from a G to T substitution at nucleotide position 1871. The arginine at codon 624 is replaced by leucine, an amino acid with dissimilar properties. This variant was not reported in population based cohorts in the following databases: Database of Single Nucleotide Polymorphisms (dbSNP), NHLBI Exome Sequencing Project (ESP), and 1000 Genomes Project. In the ESP, this variant was not observed in 6491 samples (12982 alleles) with coverage at this position. To date, this alteration has been detected with an allele frequency of approximately 0.001% (greater than 175000 alleles tested) in our clinical cohort. This amino acid position is poorly conserved in available vertebrate species. In addition, this alteration is predicted to be tolerated by in silico analysis. Since supporting evidence is limited at this time, the clinical significance of this alteration remains unclear.